The following is an entry in ClinVar:

NM_017934.7(PHIP):c.2840C>T (p.Thr947Ile)

Genes: IRAK1BP1 (interleukin 1 receptor associated kinase 1 binding protein 1; plus strand), PHIP (PHIP subunit of CUL4-Ring ligase complex; minus strand). Cytogenetic location: 6q14.1.
Variant type: single nucleotide variant.
Coding change: c.2840C>T on transcript NM_017934.7 (MANE Select); coding-DNA position 2840, C replaced by T.
Protein change: p.Thr947Ile; replaces threonine 947 with isoleucine.
Molecular consequence: missense variant.
Genome position (GRCh38, 1-based): chr6:78,978,641, G>A on the plus strand (C>T on the coding strand, the complement: PHIP is on the minus strand). VCF-style: chr6-78978641-G-A. GRCh37 (hg19) VCF-style: chr6-79688358-G-A.
Other names: short protein forms T947I.
Identifiers: ClinVar variation 2915417 (VCV002915417.3), dbSNP rs2481938390, ClinGen allele CA364648650.

ClinVar aggregate classification (germline): Uncertain significance (1 of 4 stars; one submission).

Submission:

Labcorp Genetics (formerly Invitae), Labcorp
Classification: Uncertain significance. Last evaluated: 2023-06-16. Review status: criteria provided, single submitter. Criteria: Invitae Variant Classification Sherloc (09022015). Collection method: clinical testing. Allele origin: germline.
Comment: In summary, the available evidence is currently insufficient to determine the role of this variant in disease. Therefore, it has been classified as a Variant of Uncertain Significance. Advanced modeling of protein sequence and biophysical properties (such as structural, functional, and spatial information, amino acid conservation, physicochemical variation, residue mobility, and thermodynamic stability) performed at Invitae indicates that this missense variant is not expected to disrupt PHIP protein function. This missense change has been observed in individual(s) with autism spectrum disorder (PMID: 30564305). This variant is not present in population databases (gnomAD no frequency). This sequence change replaces threonine, which is neutral and polar, with isoleucine, which is neutral and non-polar, at codon 947 of the PHIP protein (p.Thr947Ile).

Literature cited by the submitters: PubMed 30564305.